The following is an entry in ClinVar:

NM_005685.4(GTF2IRD1):c.1455C>T (p.Ser485=)

Gene: GTF2IRD1 (GTF2I repeat domain containing 1; plus strand). Cytogenetic location: 7q11.23.
Variant type: single nucleotide variant.
Coding change: c.1455C>T on transcript NM_005685.4 (MANE Select); coding-DNA position 1455, C replaced by T.
Protein change: p.Ser485=; no amino-acid change (serine 485 retained).
Molecular consequence: synonymous variant.
Genome position (GRCh38, 1-based): chr7:74,538,687, C>T. VCF-style: chr7-74538687-C-T. GRCh37 (hg19) VCF-style: chr7-73953017-C-T.
Other names: c.1551C>T, p.Ser517= (NM_001199207.2); c.1455C>T, p.Ser485= (NM_016328.3); c.1551C>T (NM_001199207.1).
Identifiers: ClinVar variation 768161 (VCV000768161.7), dbSNP rs55634982, ClinGen allele CA4296899.

ClinVar aggregate classification (germline): Benign. Review status: criteria provided, multiple submitters, no conflicts (2 of 4 stars). 3 submissions from 3 submitters: Benign (2). 1 of the submissions does not count toward it. Last evaluated 2019-12-31.

Conditions:
GTF2IRD1-related disorder. Also called: GTF2IRD1-related condition.

Allele frequency attached by ClinVar (database versions not stated): gnomAD exomes 0.00537; ExAC 0.00638; gnomAD 0.01776 and 0.01908; TOPMed 0.02037; ESP Exome Variant Server 0.02122; 1000 Genomes Project 0.02177; 1000 Genomes Project 30x 0.02498.
gnomAD v4.1: 5,672 of 1,592,012 alleles (0.36%); highest among the groups gnomAD compares: African/African-American, 6%; 158 homozygotes.

Submissions (3):

Labcorp Genetics (formerly Invitae), Labcorp
Classification: Benign. Last evaluated: 2019-12-31. Review status: criteria provided, single submitter. Criteria: Invitae Variant Classification Sherloc (09022015). Collection method: clinical testing. Allele origin: germline.

Breakthrough Genomics
Classification: Benign. Review status: criteria provided, single submitter. Criteria: ACMG Guidelines, 2015. Collection method: not provided. Allele origin: germline. Inheritance: Unknown mechanism. Affected: yes.

PreventionGenetics, part of Exact Sciences
Classification: Benign for GTF2IRD1-related condition. Last evaluated: 2020-02-17. Review status: no assertion criteria provided. Collection method: clinical testing. Allele origin: germline. Not counted in ClinVar's aggregate classification.
Comment: This variant is classified as benign based on ACMG/AMP sequence variant interpretation guidelines (Richards et al. 2015 PMID: 25741868, with internal and published modifications).